The following is an entry in ClinVar:

NM_001807.6(CEL):c.1485-154A>G

Gene: CEL (carboxyl ester lipase; plus strand). Cytogenetic location: 9q34.13.
Variant type: single nucleotide variant.
Coding change: c.1485-154A>G on transcript NM_001807.6 (MANE Select); 154 bases into the intron before coding-DNA position 1485, A replaced by G.
Molecular consequence: intron variant.
Genome position (GRCh38, 1-based): chr9:133,070,833, A>G. VCF-style: chr9-133070833-A-G. GRCh37 (hg19) VCF-style: chr9-135946220-A-G.
Identifiers: ClinVar variation 5040833 (VCV005040833.1).
Genomic context (GRCh38, chr9:133,070,833, plus strand): 5'-CCCCTGCATCGGAATCCATGTGTGTTTGAGGATGAGAGTTACTGGCAGAGCCCCAAGCCC[A>G]TGCACGTGCACAGCCAGTGCCCAGTATGCAGTGAGGGGCATGGTGCCCAGGGCCAGCTCA-3'

ClinVar aggregate classification (germline): Likely benign (1 of 4 stars; one submission).

Submission:

CeGaT Center for Human Genetics Tuebingen
Classification: Likely benign. Last evaluated: 2026-09-01. Review status: criteria provided, single submitter. Criteria: CeGaT Center For Human Genetics Tuebingen Variant Classification Criteria Version 2. Collection method: clinical testing. Allele origin: germline. Affected: yes. Observed: 1 variant allele.
Comment: CEL: BS1